The following is an entry in ClinVar:

NM_000488.4(SERPINC1):c.331T>C (p.Ser111Pro)

Gene: SERPINC1 (serpin family C member 1; minus strand). Cytogenetic location: 1q25.1.
Variant type: single nucleotide variant.
Coding change: c.331T>C on transcript NM_000488.4 (MANE Select); coding-DNA position 331, T replaced by C.
Protein change: p.Ser111Pro; replaces serine 111 with proline.
Molecular consequence: missense variant.
Genome position (GRCh38, 1-based): chr1:173,914,630, A>G on the plus strand (T>C on the coding strand, the complement: SERPINC1 is on the minus strand). VCF-style: chr1-173914630-A-G. GRCh37 (hg19) VCF-style: chr1-173883768-A-G.
Other names: NM_000488.4(SERPINC1):c.331T>C; p.Ser111Pro; c.187T>C, p.Ser63Pro (NM_001365052.2); c.331T>C, p.Ser111Pro (NM_001386302.1, NM_001386304.1, NM_001386305.1 and 1 more transcripts); c.412T>C, p.Ser138Pro (NM_001386303.1); short protein forms S111P, S63P, S138P.
Identifiers: ClinVar variation 1997307 (VCV001997307.6), dbSNP rs2526594315, ClinGen allele CA343777474.

ClinVar aggregate classification (germline): Uncertain significance. Review status: reviewed by expert panel (3 of 4 stars). 2 submissions from 2 submitters: Uncertain significance (1). 1 of the submissions does not count toward it. Last evaluated 2025-09-19.

Conditions:
Hereditary antithrombin deficiency (AT3D). Also called: Reduced antithrombin III activity; Antithrombin III deficiency; Thrombophilia due to antithrombin III deficiency; Antithrombin deficiency. Identifiers: Orphanet 82, MedGen C0272375, MONDO:0013144, OMIM 613118, HP:0001976.

Submissions (2):

Clingen Thrombosis Variant Curation Expert Panel, ClinGen
Classification: Uncertain significance for Hereditary antithrombin deficiency. Last evaluated: 2025-09-19. Review status: reviewed by expert panel. Criteria: ClinGen ACMG Specifications SERPINC1 V1.0.0. Collection method: curation. Allele origin: germline. Inheritance: Autosomal dominant inheritance.
Comment: The c.331T>C (NM_000488.4) variant in SERPINC1 is a missense variant predicted to cause substitution of serine by proline at amino acid 111 (p.Ser111Pro). This variant alters a highly conserved residue, and is located at a single amino acid interface between an alpha helix and beta sheet. The variant is absent from gnomAD (v4.1.0) in a region with good coverage profile across both genomes and exomes (PM2_supporting). The computational predictor REVEL gives a score of 0.958, which is above the threshold of 0.6, which correlates with a deleterious impact to SERPINC1 function (PP3). This variant has been reported in at least two probands meeting an antithrombin activity level of < 0.8 IU/mL (PS4_moderate; PMID: 28300866, 38457560). In summary, based on the evidence available at this time, the clinical significance of this variant is uncertain. ACMG/AMP criteria applied, as specified by the Thrombosis Variant Curation Expert Panel: PP3, PM2_supporting, PS4_moderate.

Labcorp Genetics (formerly Invitae), Labcorp
Classification: Uncertain significance for Hereditary antithrombin deficiency. Last evaluated: 2022-05-21. Review status: criteria provided, single submitter. Criteria: Invitae Variant Classification Sherloc (09022015). Collection method: clinical testing. Allele origin: germline. Not counted in ClinVar's aggregate classification.
Comment: In summary, the available evidence is currently insufficient to determine the role of this variant in disease. Therefore, it has been classified as a Variant of Uncertain Significance. Advanced modeling of protein sequence and biophysical properties (such as structural, functional, and spatial information, amino acid conservation, physicochemical variation, residue mobility, and thermodynamic stability) performed at Invitae indicates that this missense variant is expected to disrupt SERPINC1 protein function. This missense change has been observed in individual(s) with antithrombin deficiency (PMID: 28300866). This variant is not present in population databases (gnomAD no frequency). This sequence change replaces serine, which is neutral and polar, with proline, which is neutral and non-polar, at codon 111 of the SERPINC1 protein (p.Ser111Pro).

Literature cited by the submitters: PubMed 28300866 (cited by Labcorp Genetics (formerly Invitae), Labcorp).